The following is an entry in ClinVar:

ClinVar aggregate classification (germline): Conflicting classifications of pathogenicity. Review status: criteria provided, conflicting classifications (1 of 4 stars). 2 submissions from 2 submitters: Uncertain significance (1); Likely benign (1). Last evaluated 2025-07-22.

Conditions:
Emery-Dreifuss muscular dystrophy 5, autosomal dominant (EDMD5). Also called: EMERY-DREIFUSS MUSCULAR DYSTROPHY 5. Identifiers: Orphanet 261, MedGen C2751805, MONDO:0013072, OMIM 612999.

Submissions (2):

Labcorp Genetics (formerly Invitae), Labcorp
Classification: Uncertain significance for Emery-Dreifuss muscular dystrophy 5, autosomal dominant. Last evaluated: 2025-07-22. Review status: criteria provided, single submitter. Criteria: Invitae Variant Classification Sherloc (09022015). Collection method: clinical testing. Allele origin: germline.
Comment: This sequence change replaces leucine, which is neutral and non-polar, with proline, which is neutral and non-polar, at codon 4196 of the SYNE2 protein (p.Leu4196Pro). This variant is not present in population databases (gnomAD no frequency). This variant has not been reported in the literature in individuals affected with SYNE2-related conditions. ClinVar contains an entry for this variant (Variation ID: 3451902). An algorithm developed to predict the effect of missense changes on protein structure and function outputs the following: PolyPhen-2: "Benign". The proline amino acid residue is found in multiple mammalian species, which suggests that this missense change does not adversely affect protein function. In summary, the available evidence is currently insufficient to determine the role of this variant in disease. Therefore, it has been classified as a Variant of Uncertain Significance.

Ambry Genetics
Classification: Likely benign. Last evaluated: 2024-08-28. Review status: criteria provided, single submitter. Criteria: Ambry Variant Classification Scheme 2023. Collection method: clinical testing. Allele origin: germline.

NM_182914.3(SYNE2):c.12587T>C (p.Leu4196Pro)

Gene: SYNE2 (spectrin repeat containing nuclear envelope protein 2; plus strand). Cytogenetic location: 14q23.2.
Variant type: single nucleotide variant.
Coding change: c.12587T>C on transcript NM_182914.3 (MANE Select); coding-DNA position 12587, T replaced by C.
Protein change: p.Leu4196Pro; replaces leucine 4196 with proline.
Molecular consequence: missense variant.
Genome position (GRCh38, 1-based): chr14:64,107,585, T>C. VCF-style: chr14-64107585-T-C. GRCh37 (hg19) VCF-style: chr14-64574303-T-C.
Other names: c.12587T>C, p.Leu4196Pro (NM_015180.6); short protein forms L4196P.
Identifiers: ClinVar variation 3451902 (VCV003451902.2).